The following is an entry in ClinVar:

NM_024652.6(LRRK1):c.1823G>A (p.Ser608Asn)

Gene: LRRK1 (leucine rich repeat kinase 1; plus strand). Cytogenetic location: 15q26.3.
Variant type: single nucleotide variant.
Coding change: c.1823G>A on transcript NM_024652.6 (MANE Select); coding-DNA position 1823, G replaced by A.
Protein change: p.Ser608Asn; replaces serine 608 with asparagine.
Molecular consequence: missense variant.
Genome position (GRCh38, 1-based): chr15:101,021,928, G>A. VCF-style: chr15-101021928-G-A. GRCh37 (hg19) VCF-style: chr15-101562133-G-A.
Other names: short protein forms S608N.
Identifiers: ClinVar variation 1993733 (VCV001993733.4), dbSNP rs2505374397, ClinGen allele CA393962572.

ClinVar aggregate classification (germline): Uncertain significance (1 of 4 stars; one submission).

Allele frequency attached by ClinVar (database versions not stated): gnomAD exomes below 0.00001.
gnomAD v4.1: 1 of 1,613,984 alleles (0.000062%); highest among the groups gnomAD compares: Non-Finnish European, 0.000085%; no homozygotes.

Submission:

Labcorp Genetics (formerly Invitae), Labcorp
Classification: Uncertain significance. Last evaluated: 2022-05-12. Review status: criteria provided, single submitter. Criteria: Invitae Variant Classification Sherloc (09022015). Collection method: clinical testing. Allele origin: germline.
Comment: In summary, the available evidence is currently insufficient to determine the role of this variant in disease. Therefore, it has been classified as a Variant of Uncertain Significance. Algorithms developed to predict the effect of missense changes on protein structure and function output the following: SIFT: "Tolerated"; PolyPhen-2: "Benign"; Align-GVGD: "Class C0". The asparagine amino acid residue is found in multiple mammalian species, which suggests that this missense change does not adversely affect protein function. This variant has not been reported in the literature in individuals affected with LRRK1-related conditions. This variant is not present in population databases (gnomAD no frequency). This sequence change replaces serine, which is neutral and polar, with asparagine, which is neutral and polar, at codon 608 of the LRRK1 protein (p.Ser608Asn).